The following is an entry in ClinVar:

NM_018127.7(ELAC2):c.665C>G (p.Pro222Arg)

Gene: ELAC2 (elaC ribonuclease Z 2; minus strand). Cytogenetic location: 17p12.
Variant type: single nucleotide variant.
Coding change: c.665C>G on transcript NM_018127.7 (MANE Select); coding-DNA position 665, C replaced by G.
Protein change: p.Pro222Arg; replaces proline 222 with arginine.
Molecular consequence: missense variant. On other transcripts: intron variant (1).
Genome position (GRCh38, 1-based): chr17:13,011,677, G>C on the plus strand (C>G on the coding strand, the complement: ELAC2 is on the minus strand). VCF-style: chr17-13011677-G-C. GRCh37 (hg19) VCF-style: chr17-12914994-G-C.
Other names: c.665C>G, p.Pro222Arg (NM_173717.2); c.560-1006C>G (NM_001165962.2); short protein forms P222R.
Identifiers: ClinVar variation 1416459 (VCV001416459.6), dbSNP rs2143661121, ClinGen allele CA398217386.

ClinVar aggregate classification (germline): Uncertain significance (1 of 4 stars; one submission).

Conditions:
Combined oxidative phosphorylation defect type 17. Also called: Combined oxidative phosphorylation deficiency 17. Identifiers: Orphanet 369913, MedGen C3809526, MONDO:0014190, OMIM 615440.

Submission:

Labcorp Genetics (formerly Invitae), Labcorp
Classification: Uncertain significance for Combined oxidative phosphorylation defect type 17. Last evaluated: 2022-11-15. Review status: criteria provided, single submitter. Criteria: Invitae Variant Classification Sherloc (09022015). Collection method: clinical testing. Allele origin: germline.
Comment: This variant has not been reported in the literature in individuals affected with ELAC2-related conditions. ClinVar contains an entry for this variant (Variation ID: 1416459). Algorithms developed to predict the effect of missense changes on protein structure and function (SIFT, PolyPhen-2, Align-GVGD) all suggest that this variant is likely to be tolerated. In summary, the available evidence is currently insufficient to determine the role of this variant in disease. Therefore, it has been classified as a Variant of Uncertain Significance. This sequence change replaces proline, which is neutral and non-polar, with arginine, which is basic and polar, at codon 222 of the ELAC2 protein (p.Pro222Arg). This variant is not present in population databases (gnomAD no frequency).